The following is an entry in ClinVar:

ClinVar aggregate classification (germline): Uncertain significance (0 of 4 stars; one submission).

Conditions:
NDUFS1-related disorder. Also called: NDUFS1-related condition.

gnomAD v4.1: 2 of 1,614,192 alleles (0.00012%); highest among the groups gnomAD compares: Admixed American, 0.0033%; no homozygotes.

Submission:

PreventionGenetics, part of Exact Sciences
Classification: Uncertain significance for NDUFS1-related condition. Last evaluated: 2024-09-16. Review status: no assertion criteria provided. Collection method: clinical testing. Allele origin: germline.
Comment: The NDUFS1 c.1064A>G variant is predicted to result in the amino acid substitution p.Lys355Arg. To our knowledge, this variant has not been reported in the literature. This variant is reported in 0.0058% of alleles in individuals of Latino descent in gnomAD. At this time, the clinical significance of this variant is uncertain due to the absence of conclusive functional and genetic evidence.

NM_005006.7(NDUFS1):c.1064A>G (p.Lys355Arg)

Gene: NDUFS1 (NADH:ubiquinone oxidoreductase core subunit S1; minus strand). Cytogenetic location: 2q33.3.
Variant type: single nucleotide variant.
Coding change: c.1064A>G on transcript NM_005006.7 (MANE Select); coding-DNA position 1064, A replaced by G.
Protein change: p.Lys355Arg; replaces lysine 355 with arginine.
Molecular consequence: missense variant.
Genome position (GRCh38, 1-based): chr2:206,142,755, T>C on the plus strand (A>G on the coding strand, the complement: NDUFS1 is on the minus strand). VCF-style: chr2-206142755-T-C. GRCh37 (hg19) VCF-style: chr2-207007479-T-C.
Other names: c.956A>G, p.Lys319Arg (NM_001199981.2); c.731A>G, p.Lys244Arg (NM_001199982.2); c.893A>G, p.Lys298Arg (NM_001199983.2); c.1106A>G, p.Lys369Arg (NM_001199984.2); short protein forms K244R, K298R, K319R, K355R, K369R.
Identifiers: ClinVar variation 3347087 (VCV003347087.1).